The following is an entry in ClinVar:

ClinVar aggregate classification (germline): Uncertain significance. Review status: criteria provided, multiple submitters, no conflicts (2 of 4 stars). 2 submissions from 2 submitters: Uncertain significance (2). Last evaluated 2023-10-05.

Allele frequency attached by ClinVar (database versions not stated): gnomAD 0.00005 and 0.00006; TOPMed 0.00005; gnomAD exomes 0.00006; ESP Exome Variant Server 0.00008; 1000 Genomes Project 30x 0.00016; ExAC 0.00016.
gnomAD v4.1: 91 of 1,566,768 alleles (0.0058%); highest among the groups gnomAD compares: South Asian, 0.0094%; no homozygotes.

Submissions (2):

Ambry Genetics
Classification: Uncertain significance. Last evaluated: 2023-10-05. Review status: criteria provided, single submitter. Criteria: Ambry Variant Classification Scheme 2023. Collection method: clinical testing. Allele origin: germline.

Labcorp Genetics (formerly Invitae), Labcorp
Classification: Uncertain significance. Last evaluated: 2021-12-15. Review status: criteria provided, single submitter. Criteria: Invitae Variant Classification Sherloc (09022015). Collection method: clinical testing. Allele origin: germline.
Comment: This sequence change replaces threonine, which is neutral and polar, with methionine, which is neutral and non-polar, at codon 470 of the LIG1 protein (p.Thr470Met). The frequency data for this variant in the population databases is considered unreliable, as metrics indicate poor data quality at this position in the gnomAD database. This variant has not been reported in the literature in individuals affected with LIG1-related conditions. Algorithms developed to predict the effect of missense changes on protein structure and function are either unavailable or do not agree on the potential impact of this missense change (SIFT: "Deleterious"; PolyPhen-2: "Probably Damaging"; Align-GVGD: "Class C0"). In summary, the available evidence is currently insufficient to determine the role of this variant in disease. Therefore, it has been classified as a Variant of Uncertain Significance.

NM_000234.3(LIG1):c.1409C>T (p.Thr470Met)

Gene: LIG1 (DNA ligase 1; minus strand). Cytogenetic location: 19q13.33.
Variant type: single nucleotide variant.
Coding change: c.1409C>T on transcript NM_000234.3 (MANE Select); coding-DNA position 1409, C replaced by T.
Protein change: p.Thr470Met; replaces threonine 470 with methionine.
Molecular consequence: missense variant. On other transcripts: non-coding transcript variant (6).
Genome position (GRCh38, 1-based): chr19:48,136,048, G>A on the plus strand (C>T on the coding strand, the complement: LIG1 is on the minus strand). VCF-style: chr19-48136048-G-A. GRCh37 (hg19) VCF-style: chr19-48639305-G-A.
Other names: c.1316C>T, p.Thr439Met (NM_001289063.2); c.1205C>T, p.Thr402Met (NM_001289064.2); c.1406C>T, p.Thr469Met (NM_001320970.2); c.1319C>T, p.Thr440Met (NM_001320971.2); c.1409C>T (NM_000234.1); short protein forms T440M, T402M, T469M, T439M, T470M.
Identifiers: ClinVar variation 1406030 (VCV001406030.5), dbSNP rs372266709, ClinGen allele CA9546833.